The following is an entry in ClinVar:

ClinVar aggregate classification (germline): Uncertain significance. Review status: criteria provided, multiple submitters, no conflicts (2 of 4 stars). 2 submissions from 2 submitters: Uncertain significance (2). Last evaluated 2024-06-03.

Conditions:
Neutral 1 amino acid transport defect (HND). Also called: Hartnup disease; HARTNUP DISORDER. Identifiers: Orphanet 2116, MedGen C0018609, MONDO:0009324, OMIM 234500.

Allele frequency attached by ClinVar (database versions not stated): gnomAD 0.00001; ExAC 0.00003; gnomAD exomes 0.00003; TOPMed 0.00005.
gnomAD v4.1: 40 of 1,613,940 alleles (0.0025%); highest among the groups gnomAD compares: South Asian, 0.0066%; no homozygotes.

Submissions (2):

Fulgent Genetics
Classification: Uncertain significance for Neutral 1 amino acid transport defect. Last evaluated: 2024-06-03. Review status: criteria provided, single submitter. Criteria: ACMG Guidelines, 2015. Collection method: clinical testing. Allele origin: germline.

Labcorp Genetics (formerly Invitae), Labcorp
Classification: Uncertain significance. Last evaluated: 2021-08-14. Review status: criteria provided, single submitter. Criteria: Invitae Variant Classification Sherloc (09022015). Collection method: clinical testing. Allele origin: germline.
Comment: This sequence change replaces alanine with threonine at codon 329 of the SLC6A19 protein (p.Ala329Thr). The alanine residue is highly conserved and there is a small physicochemical difference between alanine and threonine. This variant is present in population databases (rs199795977, ExAC 0.01%). This variant has not been reported in the literature in individuals affected with SLC6A19-related conditions. Advanced modeling of protein sequence and biophysical properties (such as structural, functional, and spatial information, amino acid conservation, physicochemical variation, residue mobility, and thermodynamic stability) performed at Invitae indicates that this missense variant is expected to disrupt SLC6A19 protein function. In summary, the available evidence is currently insufficient to determine the role of this variant in disease. Therefore, it has been classified as a Variant of Uncertain Significance.

NM_001003841.3(SLC6A19):c.985G>A (p.Ala329Thr)

Gene: SLC6A19 (solute carrier family 6 member 19; plus strand). Cytogenetic location: 5p15.33.
Variant type: single nucleotide variant.
Coding change: c.985G>A on transcript NM_001003841.3 (MANE Select); coding-DNA position 985, G replaced by A.
Protein change: p.Ala329Thr; replaces alanine 329 with threonine.
Molecular consequence: missense variant.
Genome position (GRCh38, 1-based): chr5:1,216,655, G>A. VCF-style: chr5-1216655-G-A. GRCh37 (hg19) VCF-style: chr5-1216770-G-A.
Other names: short protein forms A329T.
Identifiers: ClinVar variation 1516499 (VCV001516499.7), dbSNP rs199795977, ClinGen allele CA3182975.
Genomic context (GRCh38, chr5:1,216,655, plus strand): 5'-ATCAACGGCTTCACATCGGTGTATGTGGCCATCGTGGTCTACTCCGTCATTGGGTTCCGC[G>A]CCACACAGCGCTACGACGACTGCTTCAGCACGTGAGTGGCTGTCCCACCATCCTGGTGCC-3'
Protein context (NP_001003841.1, residues 319-339): IVVYSVIGFR[Ala329Thr]TQRYDDCFST